The following is an entry in ClinVar:

ClinVar aggregate classification (germline): Uncertain significance. Review status: criteria provided, multiple submitters, no conflicts (2 of 4 stars). 4 submissions from 4 submitters: Uncertain significance (4). Last evaluated 2025-12-10.

Conditions:
Hereditary cancer-predisposing syndrome. Also called: Hereditary neoplastic syndrome; Neoplastic Syndromes, Hereditary; Tumor predisposition; Hereditary Cancer Syndrome. Identifiers: Orphanet 140162, MedGen C0027672, MeSH D009386, MONDO:0015356.
Familial cancer of breast. Also called: BREAST CANCER, FAMILIAL; hereditary breast carcinoma; Hereditary breast cancer. Identifiers: Orphanet 227535, MedGen C0346153, MONDO:0016419, OMIM 114480. Disease mechanism: loss of function.
Pancreatic cancer, susceptibility to, 3. Identifiers: Orphanet 1333, MedGen C3150547, MONDO:0013236, OMIM 613348.
Fanconi anemia complementation group N. Also called: PALB2-Related Fanconi Anemia. Identifiers: Orphanet 84, MedGen C1835817, MONDO:0012565, OMIM 610832. Disease mechanism: loss of function.

Submissions (4):

Ambry Genetics
Classification: Uncertain significance for Hereditary cancer-predisposing syndrome. Last evaluated: 2025-12-10. Review status: criteria provided, single submitter. Criteria: Ambry Variant Classification Scheme 2023. Collection method: clinical testing. Allele origin: germline.
Comment: The p.V1073F variant (also known as c.3217G>T), located in coding exon 12 of the PALB2 gene, results from a G to T substitution at nucleotide position 3217. The valine at codon 1073 is replaced by phenylalanine, an amino acid with highly similar properties. This amino acid position is highly conserved in available vertebrate species. In addition, the in silico prediction for this alteration is inconclusive. Since supporting evidence is limited at this time, the clinical significance of this alteration remains unclear.

Labcorp Genetics (formerly Invitae), Labcorp
Classification: Uncertain significance for Familial cancer of breast. Last evaluated: 2025-06-08. Review status: criteria provided, single submitter. Criteria: Invitae Variant Classification Sherloc (09022015). Collection method: clinical testing. Allele origin: germline.
Comment: This sequence change replaces valine, which is neutral and non-polar, with phenylalanine, which is neutral and non-polar, at codon 1073 of the PALB2 protein (p.Val1073Phe). This variant is not present in population databases (gnomAD no frequency). This variant has not been reported in the literature in individuals affected with PALB2-related conditions. ClinVar contains an entry for this variant (Variation ID: 460982). An algorithm developed to predict the effect of missense changes on protein structure and function (PolyPhen-2) suggests that this variant is likely to be disruptive. In summary, the available evidence is currently insufficient to determine the role of this variant in disease. Therefore, it has been classified as a Variant of Uncertain Significance.

Color Diagnostics, LLC DBA Color Health
Classification: Uncertain significance for Hereditary cancer-predisposing syndrome. Last evaluated: 2024-03-06. Review status: criteria provided, single submitter. Criteria: ACMG Guidelines, 2015. Collection method: clinical testing. Allele origin: germline.
Comment: This missense variant replaces valine with phenylalanine at codon 1073 of the PALB2 protein. Computational prediction suggests that this variant may not impact protein structure and function. To our knowledge, functional studies have not been reported for this variant. This variant has not been reported in individuals affected with hereditary cancer in the literature. This variant has not been identified in the general population by the Genome Aggregation Database (gnomAD). The available evidence is insufficient to determine the role of this variant in disease conclusively. Therefore, this variant is classified as a Variant of Uncertain Significance.

Fulgent Genetics
Classification: Uncertain significance for Familial cancer of breast; Fanconi anemia complementation group N; Pancreatic cancer, susceptibility to, 3. Last evaluated: 2021-07-30. Review status: criteria provided, single submitter. Criteria: ACMG Guidelines, 2015. Collection method: clinical testing. Allele origin: unknown.

NM_024675.4(PALB2):c.3217G>T (p.Val1073Phe)

Gene: PALB2 (partner and localizer of BRCA2; minus strand). Cytogenetic location: 16p12.2.
Variant type: single nucleotide variant.
Coding change: c.3217G>T on transcript NM_024675.4 (MANE Select); coding-DNA position 3217, G replaced by T.
Protein change: p.Val1073Phe; replaces valine 1073 with phenylalanine.
Molecular consequence: missense variant.
Genome position (GRCh38, 1-based): chr16:23,607,997, C>A on the plus strand (G>T on the coding strand, the complement: PALB2 is on the minus strand). VCF-style: chr16-23607997-C-A. GRCh37 (hg19) VCF-style: chr16-23619318-C-A.
Other names: short protein forms V1073F.
Identifiers: ClinVar variation 460982 (VCV000460982.17), dbSNP rs1555458226, ClinGen allele CA395140077.